The following is an entry in ClinVar:

NM_001042413.2(GLIS3):c.2095C>T (p.Arg699Cys)

Genes: GLIS3-AS1 (GLIS3 antisense RNA 1; plus strand), GLIS3 (GLIS family zinc finger 3; minus strand). Cytogenetic location: 9p24.2.
Variant type: single nucleotide variant.
Coding change: c.2095C>T on transcript NM_001042413.2 (MANE Select); coding-DNA position 2095, C replaced by T.
Protein change: p.Arg699Cys; replaces arginine 699 with cysteine.
Molecular consequence: missense variant. On other transcripts: non-coding transcript variant (1).
Genome position (GRCh38, 1-based): chr9:3,898,724, G>A on the plus strand (C>T on the coding strand, the complement: GLIS3 is on the minus strand). VCF-style: chr9-3898724-G-A. GRCh37 (hg19) VCF-style: chr9-3898724-G-A.
Other names: c.1630C>T, p.Arg544Cys (NM_152629.4); short protein forms R699C, R544C.
Identifiers: ClinVar variation 393413 (VCV000393413.10), dbSNP rs145867412, ClinGen allele CA4967959.
Genomic context (GRCh38, chr9:3,898,724, plus strand): 5'-GGTTGGCTCTGCCTTTGCTGTCTTTACCTGAATAGAGGTCAGGCCCGGGTCCAGGGGAGC[G>A]TCCCACGGTCCCTTCAGCAGCAGCATCTCTAGGGGAAGTGGCCGGCTGCAGGGACTGCAC-3'
Protein context (NP_001035878.1, residues 689-709): RDAAAEGTVG[Arg699Cys]SPGPGPDLYS

ClinVar aggregate classification (germline): Conflicting classifications of pathogenicity. Review status: criteria provided, conflicting classifications (1 of 4 stars). 3 submissions from 3 submitters: Uncertain significance (2); Likely benign (1). Last evaluated 2026-01-15.

Conditions:
Neonatal diabetes mellitus with congenital hypothyroidism. Also called: NDH SYNDROME. Identifiers: Orphanet 79118, MedGen C1857775, MONDO:0012436, OMIM 610199.
Monogenic diabetes. Identifiers: Orphanet 183625, MedGen C3888631, MONDO:0015967.

Allele frequency attached by ClinVar (database versions not stated): gnomAD exomes 0.00007 and 0.00018; ExAC 0.00019; 1000 Genomes Project 0.00040; 1000 Genomes Project 30x 0.00047; gnomAD 0.00058 and 0.00062; TOPMed 0.00060; ESP Exome Variant Server 0.00077.
gnomAD v4.1: 192 of 1,614,144 alleles (0.012%); highest among the groups gnomAD compares: African/African-American, 0.21%; 1 homozygote.

Submissions (3):

Labcorp Genetics (formerly Invitae), Labcorp
Classification: Likely benign. Last evaluated: 2026-01-15. Review status: criteria provided, single submitter. Criteria: Invitae Variant Classification Sherloc (09022015). Collection method: clinical testing. Allele origin: germline.

Personalized Diabetes Medicine Program, University of Maryland School of Medicine
Classification: Uncertain significance for Monogenic diabetes. Last evaluated: 2016-01-29. Review status: criteria provided, single submitter. Criteria: ACMG Guidelines, 2015. Collection method: research. Allele origin: unknown. Observed: 1 variant allele, 1 heterozygote.
Comment: ACMG Criteria: BP4

Clinical Genomics, Uppaluri K&H Personalized Medicine Clinic
Classification: Uncertain significance for Neonatal diabetes mellitus with congenital hypothyroidism. Review status: criteria provided, single submitter. Criteria: K & H Uppaluri Personalized Medicine Clinic Variant Classification & Assertion Criteria_Updated V.1. Collection method: research. Allele origin: unknown.
Comment: Potent mutations in GLIS3 predisposes to neonatal diabetes mellitus with an extra pancreatic manifestation of hypothyroidism. It also predisposes to early onset diabetes in adults.However no sufficient evidence is found to ascertain the role of this particular variant rs145867412, yet.

Literature cited by the submitters: PubMed 32693112 (cited by Clinical Genomics, Uppaluri K&H Personalized Medicine Clinic); PubMed 27899417 (cited by Clinical Genomics, Uppaluri K&H Personalized Medicine Clinic); PubMed 29992946 (cited by Clinical Genomics, Uppaluri K&H Personalized Medicine Clinic); PubMed 35394098 (cited by Clinical Genomics, Uppaluri K&H Personalized Medicine Clinic); PubMed 29146476 (cited by Clinical Genomics, Uppaluri K&H Personalized Medicine Clinic).